The following is an entry in ClinVar:

NM_000238.4(KCNH2):c.217C>T (p.Arg73Cys)

Gene: KCNH2 (potassium voltage-gated channel subfamily H member 2; minus strand). Cytogenetic location: 7q36.1.
Variant type: single nucleotide variant.
Coding change: c.217C>T on transcript NM_000238.4 (MANE Select); coding-DNA position 217, C replaced by T.
Protein change: p.Arg73Cys; replaces arginine 73 with cysteine.
Molecular consequence: missense variant. On other transcripts: non-coding transcript variant (1).
Genome position (GRCh38, 1-based): chr7:150,974,801, G>A on the plus strand (C>T on the coding strand, the complement: KCNH2 is on the minus strand). VCF-style: chr7-150974801-G-A. GRCh37 (hg19) VCF-style: chr7-150671889-G-A.
Other names: c.40C>T, p.Arg14Cys (NM_001406755.1); c.217C>T, p.Arg73Cys (NM_172056.3); short protein forms R14C, R73C.
Identifiers: ClinVar variation 4756890 (VCV004756890.1).
Genomic context (GRCh38, chr7:150,974,801, plus strand): 5'-TGCGCTCCTCGGCGCCCAGCAGTGCCTGCGCGATCTGCGCGGCAGCGCGGCGCTGCGTGC[G>A]CGGCCCGTGCAGGAAGTCGCAGGTGCAGGGTCGCTGCATCACCTCGGCCCGCGAGTAGCC-3'
Protein context (NP_000229.1, residues 63-83): PCTCDFLHGP[Arg73Cys]TQRRAAAQIA

ClinVar aggregate classification (germline): Uncertain significance (1 of 4 stars; one submission).

Conditions:
Cardiac arrhythmia. Also called: Arrhythmia; Cardiac rhythm disease. Identifiers: MedGen C0003811, MONDO:0007263, HP:0011675.

Submission:

Color Diagnostics, LLC DBA Color Health
Classification: Uncertain significance for Cardiac arrhythmia. Last evaluated: 2025-06-09. Review status: criteria provided, single submitter. Criteria: ACMG Guidelines, 2015. Collection method: clinical testing. Allele origin: germline.
Comment: This missense variant replaces arginine with cysteine at codon 73 of the KCNH2 protein. Computational prediction is inconclusive regarding the impact of this variant on protein structure and function. To our knowledge, functional studies have not been reported for this variant. This variant has not been reported in individuals affected with KCNH2-related disorders in the literature. This variant has been identified in 1/227524 chromosomes in the general population by the Genome Aggregation Database (gnomAD). The available evidence is insufficient to determine the role of this variant in disease conclusively. Therefore, this variant is classified as a Variant of Uncertain Significance.